The following is an entry in ClinVar:

ClinVar aggregate classification (germline): Pathogenic (1 of 4 stars; one submission).

Conditions:
Cardiovascular phenotype. Identifiers: MedGen CN230736.

Submission:

Molecular Diagnostic Laboratory for Inherited Cardiovascular Disease, Montreal Heart Institute
Classification: Pathogenic for Cardiovascular phenotype. Last evaluated: 2024-01-10. Review status: criteria provided, single submitter. Criteria: ACMG Guidelines, 2015. Collection method: clinical testing. Allele origin: germline. Affected: yes.
Comment: PVS1, PM2, PS4_supp, PP1

NM_000218.3(KCNQ1):c.1566C>G (p.Tyr522Ter)

Gene: KCNQ1 (potassium voltage-gated channel subfamily Q member 1; plus strand). Cytogenetic location: 11p15.5.
Variant type: single nucleotide variant.
Coding change: c.1566C>G on transcript NM_000218.3 (MANE Select); coding-DNA position 1566, C replaced by G.
Protein change: p.Tyr522Ter; replaces tyrosine 522 with a stop codon.
Molecular consequence: nonsense.
Genome position (GRCh38, 1-based): chr11:2,768,895, C>G. VCF-style: chr11-2768895-C-G. GRCh37 (hg19) VCF-style: chr11-2790125-C-G.
Other names: c.1470C>G, p.Tyr490Ter (NM_001406836.1); c.1296C>G, p.Tyr432Ter (NM_001406837.1); c.1026C>G, p.Tyr342Ter (NM_001406838.1); c.1185C>G, p.Tyr395Ter (NM_181798.2); short protein forms Y342*, Y395*, Y432*, Y490*, Y522*.
Identifiers: ClinVar variation 3895223 (VCV003895223.1).